The following is an entry in ClinVar:

ClinVar aggregate classification (germline): Uncertain significance (1 of 4 stars; one submission).

Conditions:
Cardiovascular phenotype. Identifiers: MedGen CN230736.

Allele frequency attached by ClinVar (database versions not stated): gnomAD exomes below 0.00001; ExAC 0.00001; gnomAD 0.00002; TOPMed 0.00002; 1000 Genomes Project 0.00020; 1000 Genomes Project 30x 0.00031.
gnomAD v4.1: 5 of 1,613,856 alleles (0.00031%); highest among the groups gnomAD compares: Admixed American, 0.0017%; no homozygotes.

Submission:

Ambry Genetics
Classification: Uncertain significance for Cardiovascular phenotype. Last evaluated: 2023-12-07. Review status: criteria provided, single submitter. Criteria: Ambry Variant Classification Scheme 2023. Collection method: clinical testing. Allele origin: germline.
Comment: The p.Q3098R variant (also known as c.9293A>G), located in coding exon 26 of the TNXB gene, results from an A to G substitution at nucleotide position 9293. The glutamine at codon 3098 is replaced by arginine, an amino acid with highly similar properties. This amino acid position is conserved. In addition, this alteration is predicted to be tolerated by in silico analysis. Since supporting evidence is limited at this time, the clinical significance of this alteration remains unclear.

NM_001365276.2(TNXB):c.9299A>G (p.Gln3100Arg)

Gene: TNXB (tenascin XB; minus strand). Cytogenetic location: 6p21.33.
Variant type: single nucleotide variant.
Coding change: c.9299A>G on transcript NM_001365276.2 (MANE Select); coding-DNA position 9299, A replaced by G.
Protein change: p.Gln3100Arg; replaces glutamine 3100 with arginine.
Molecular consequence: missense variant.
Genome position (GRCh38, 1-based): chr6:32,050,138, T>C on the plus strand (A>G on the coding strand, the complement: TNXB is on the minus strand). VCF-style: chr6-32050138-T-C. GRCh37 (hg19) VCF-style: chr6-32017915-T-C.
Other names: c.10040A>G, p.Gln3347Arg (NM_001428335.1); c.9293A>G, p.Gln3098Arg (NM_019105.8); short protein forms Q3098R, Q3100R, Q3347R.
Identifiers: ClinVar variation 3227356 (VCV003227356.1), dbSNP rs538299027, ClinGen allele CA3733572.
Genomic context (GRCh38, chr6:32,050,138, plus strand): 5'-GGCTCCAGGCCTGAGATGGTGACCCCGTCCTCGTGCCCCGGCACCCGCACCGCCTTGGGC[T>C]GCCCATCCCCATTCCTGTACTGGACCAGGAAGTGGTCAAACTGGCCCTCGGGAACCATCC-3'
Protein context (NP_001352205.1, residues 3090-3110): FLVQYRNGDG[Gln3100Arg]PKAVRVPGHE